The following is an entry in ClinVar:

ClinVar aggregate classification (germline): Uncertain significance (1 of 4 stars; one submission).

Conditions:
Neuronal ceroid lipofuscinosis 11. Also called: GRN-Related Neuronal Ceroid-Lipofuscinosis. Identifiers: Orphanet 314629, Orphanet 79262, MedGen C3539123, MONDO:0013866, OMIM 614706.
GRN-related frontotemporal lobar degeneration with Tdp43 inclusions (FTD2). Also called: DEMENTIA, HEREDITARY DYSPHASIC DISINHIBITION; FRONTOTEMPORAL LOBAR DEGENERATION WITH UBIQUITIN-POSITIVE INCLUSIONS; FTLD-TDP, GRN-RELATED; FRONTOTEMPORAL DEMENTIA WITH TDP43 INCLUSIONS, GRN-RELATED; GRN Frontotemporal Dementia. Identifiers: Orphanet 100070, Orphanet 282, MedGen C1843792, MONDO:0011842, OMIM 607485. Disease mechanism: loss of function.

Submission:

Labcorp Genetics (formerly Invitae), Labcorp
Classification: Uncertain significance for Neuronal ceroid lipofuscinosis 11; GRN-related frontotemporal lobar degeneration with Tdp43 inclusions. Last evaluated: 2026-01-13. Review status: criteria provided, single submitter. Criteria: Invitae Variant Classification Sherloc (09022015). Collection method: clinical testing. Allele origin: germline.
Comment: This sequence change replaces threonine, which is neutral and polar, with isoleucine, which is neutral and non-polar, at codon 251 of the GRN protein (p.Thr251Ile). This variant is not present in population databases (gnomAD no frequency). This variant has not been reported in the literature in individuals affected with GRN-related conditions. Invitae Evidence Modeling of protein sequence and biophysical properties (such as structural, functional, and spatial information, amino acid conservation, physicochemical variation, residue mobility, and thermodynamic stability) indicates that this missense variant is expected to disrupt GRN protein function with a positive predictive value of 80%. In summary, the available evidence is currently insufficient to determine the role of this variant in disease. Therefore, it has been classified as a Variant of Uncertain Significance.

NM_002087.4(GRN):c.752C>T (p.Thr251Ile)

Gene: GRN (granulin precursor; plus strand). Cytogenetic location: 17q21.31.
Variant type: single nucleotide variant.
Coding change: c.752C>T on transcript NM_002087.4 (MANE Select); coding-DNA position 752, C replaced by T.
Protein change: p.Thr251Ile; replaces threonine 251 with isoleucine.
Molecular consequence: missense variant.
Genome position (GRCh38, 1-based): chr17:44,351,080, C>T. VCF-style: chr17-44351080-C-T. GRCh37 (hg19) VCF-style: chr17-42428448-C-T.
Other names: short protein forms T251I.
Identifiers: ClinVar variation 4783237 (VCV004783237.1).